The following is an entry in ClinVar:

ClinVar aggregate classification (germline): Uncertain significance (1 of 4 stars; one submission).

Conditions:
Frasier syndrome. Identifiers: Orphanet 347, MedGen C0950122, MeSH D052159, MONDO:0007635, OMIM 136680.
Drash syndrome (DDS). Also called: NEPHROPATHY, WILMS TUMOR, AND GENITAL ANOMALIES; WILMS TUMOR AND PSEUDO- OR TRUE HERMAPHRODITISM. Identifiers: Orphanet 220, MedGen C0950121, MONDO:0008682, OMIM 194080.
Wilms tumor 1 (WT1). Also called: Wilms tumor, somatic. Identifiers: Orphanet 654, MedGen CN033288, MONDO:0008679, OMIM 194070.
11p partial monosomy syndrome (WAGR). Also called: CHROMOSOME 11p13 DELETION SYNDROME; WAGR syndrome; WAGR Complex; WAGR Spectrum Disorder. Identifiers: Orphanet 893, MedGen C0206115, MONDO:0008681, OMIM 194072.

Submission:

Labcorp Genetics (formerly Invitae), Labcorp
Classification: Uncertain significance for Wilms tumor 1; Drash syndrome; 11p partial monosomy syndrome; Frasier syndrome. Last evaluated: 2023-10-04. Review status: criteria provided, single submitter. Criteria: Invitae Variant Classification Sherloc (09022015). Collection method: clinical testing. Allele origin: germline.
Comment: This sequence change replaces leucine, which is neutral and non-polar, with arginine, which is basic and polar, at codon 285 of the WT1 protein (p.Leu285Arg). This variant is not present in population databases (gnomAD no frequency). This variant has not been reported in the literature in individuals affected with WT1-related conditions. An algorithm developed to predict the effect of missense changes on protein structure and function (PolyPhen-2) suggests that this variant is likely to be disruptive. In summary, the available evidence is currently insufficient to determine the role of this variant in disease. Therefore, it has been classified as a Variant of Uncertain Significance.

NM_024426.6(WT1):c.869T>G (p.Leu290Arg)

Gene: WT1 (WT1 transcription factor; minus strand). Cytogenetic location: 11p13.
Variant type: single nucleotide variant.
Coding change: c.869T>G on transcript NM_024426.6 (MANE Select); coding-DNA position 869, T replaced by G.
Protein change: p.Leu290Arg; replaces leucine 290 with arginine.
Molecular consequence: missense variant. On other transcripts: non-coding transcript variant (2).
Genome position (GRCh38, 1-based): chr11:32,427,974, A>C on the plus strand (T>G on the coding strand, the complement: WT1 is on the minus strand). VCF-style: chr11-32427974-A-C. GRCh37 (hg19) VCF-style: chr11-32449520-A-C.
Other names: c.869T>G, p.Leu290Arg (NM_000378.6, NM_001407044.1, NM_001407045.1 and 4 more transcripts); c.218T>G, p.Leu73Arg (NM_001198551.2, NM_001198552.2); c.746T>G, p.Leu249Arg (NM_001407047.1, NM_001407050.1); c.107T>G, p.Leu36Arg (NM_001407051.1); c.854T>G, p.Leu285Arg (NM_024425.2); short protein forms L290R, L36R, L249R, L73R, L285R.
Identifiers: ClinVar variation 2951606 (VCV002951606.3), dbSNP rs2494424918, ClinGen allele CA379962842.